The following is an entry in ClinVar:

NM_001039213.4(CEACAM16):c.1217T>C (p.Val406Ala)

Genes: CEACAM16 (CEA cell adhesion molecule 16, tectorial membrane component; plus strand), CEACAM16-AS1 (CEACAM16, CEACAM19 and PVR antisense RNA 1; minus strand). Cytogenetic location: 19q13.32.
Variant type: single nucleotide variant.
Coding change: c.1217T>C on transcript NM_001039213.4 (MANE Select); coding-DNA position 1217, T replaced by C.
Protein change: p.Val406Ala; replaces valine 406 with alanine.
Molecular consequence: missense variant.
Genome position (GRCh38, 1-based): chr19:44,708,137, T>C. VCF-style: chr19-44708137-T-C. GRCh37 (hg19) VCF-style: chr19-45211409-T-C.
Other names: short protein forms V406A.
Identifiers: ClinVar variation 3600958 (VCV003600958.1).

ClinVar aggregate classification (germline): Uncertain significance (1 of 4 stars; one submission).

Submission:

GeneDx
Classification: Uncertain significance. Last evaluated: 2024-07-25. Review status: criteria provided, single submitter. Criteria: GeneDx Variant Classification Process June 2021. Collection method: clinical testing. Allele origin: germline. Affected: yes.
Comment: Not observed at significant frequency in large population cohorts (gnomAD); In silico analysis indicates that this missense variant does not alter protein structure/function; Has not been previously published as pathogenic or benign to our knowledge